The following is an entry in ClinVar:

ClinVar aggregate classification (germline): Uncertain significance (1 of 4 stars; one submission).

Conditions:
Cataract 6 multiple types. Also called: CATARACT, AGE-RELATED CORTICAL, 2; CATARACT 6, POSTERIOR POLAR; CATARACT 6, CONGENITAL TOTAL. Identifiers: Orphanet 91492, MedGen C1861825, MONDO:0007288, OMIM 116600.

gnomAD v4.1: 1 of 1,613,894 alleles (0.000062%); highest among the groups gnomAD compares: Admixed American, 0.0017%; no homozygotes.

Submission:

Labcorp Genetics (formerly Invitae), Labcorp
Classification: Uncertain significance for Cataract 6 multiple types. Last evaluated: 2025-04-30. Review status: criteria provided, single submitter. Criteria: Invitae Variant Classification Sherloc (09022015). Collection method: clinical testing. Allele origin: germline.
Comment: This sequence change replaces tyrosine, which is neutral and polar, with cysteine, which is neutral and slightly polar, at codon 67 of the EPHA2 protein (p.Tyr67Cys). This variant is present in population databases (no rsID available, gnomAD 0.1%). This variant has not been reported in the literature in individuals affected with EPHA2-related conditions. Invitae Evidence Modeling of protein sequence and biophysical properties (such as structural, functional, and spatial information, amino acid conservation, physicochemical variation, residue mobility, and thermodynamic stability) indicates that this missense variant is expected to disrupt EPHA2 protein function with a positive predictive value of 80%. In summary, the available evidence is currently insufficient to determine the role of this variant in disease. Therefore, it has been classified as a Variant of Uncertain Significance.

NM_004431.5(EPHA2):c.200A>G (p.Tyr67Cys)

Gene: EPHA2 (EPH receptor A2; minus strand). Cytogenetic location: 1p36.13.
Variant type: single nucleotide variant.
Coding change: c.200A>G on transcript NM_004431.5 (MANE Select); coding-DNA position 200, A replaced by G.
Protein change: p.Tyr67Cys; replaces tyrosine 67 with cysteine.
Molecular consequence: missense variant.
Genome position (GRCh38, 1-based): chr1:16,149,001, T>C on the plus strand (A>G on the coding strand, the complement: EPHA2 is on the minus strand). VCF-style: chr1-16149001-T-C. GRCh37 (hg19) VCF-style: chr1-16475496-T-C.
Other names: c.38A>G, p.Tyr13Cys (NM_001329090.2); short protein forms Y67C, Y13C.
Identifiers: ClinVar variation 4777367 (VCV004777367.1).